The following is an entry in ClinVar:

ClinVar aggregate classification (germline): Benign/Likely benign. Review status: criteria provided, multiple submitters, no conflicts (2 of 4 stars). 3 submissions from 3 submitters: Benign (2); Likely benign (1). Last evaluated 2026-04-01.

Allele frequency attached by ClinVar (database versions not stated): 1000 Genomes Project 30x 0.00265; 1000 Genomes Project 0.00300; TOPMed 0.00400; gnomAD 0.00405 and 0.00411; ExAC 0.00435; ESP Exome Variant Server 0.00479.
gnomAD v4.1: 7,605 of 1,613,696 alleles (0.47%); highest among the groups gnomAD compares: Non-Finnish European, 0.55%; 31 homozygotes.

Submissions (3):

CeGaT Center for Human Genetics Tuebingen
Classification: Likely benign. Last evaluated: 2026-04-01. Review status: criteria provided, single submitter. Criteria: CeGaT Center For Human Genetics Tuebingen Variant Classification Criteria Version 2. Collection method: clinical testing. Allele origin: germline. Affected: yes. Observed: 7 variant alleles.
Comment: FAT1: BP4, BP7, BS2

Labcorp Genetics (formerly Invitae), Labcorp
Classification: Benign. Last evaluated: 2026-02-01. Review status: criteria provided, single submitter. Criteria: Invitae Variant Classification Sherloc (09022015). Collection method: clinical testing. Allele origin: germline.

Breakthrough Genomics
Classification: Benign. Review status: criteria provided, single submitter. Criteria: ACMG Guidelines, 2015. Collection method: not provided. Allele origin: germline. Inheritance: Unknown mechanism. Affected: yes.

NM_005245.4(FAT1):c.12330C>T (p.Gly4110=)

Gene: FAT1 (FAT atypical cadherin 1; minus strand). Cytogenetic location: 4q35.2.
Variant type: single nucleotide variant.
Coding change: c.12330C>T on transcript NM_005245.4 (MANE Select); coding-DNA position 12330, C replaced by T.
Protein change: p.Gly4110=; no amino-acid change (glycine 4110 retained).
Molecular consequence: synonymous variant.
Genome position (GRCh38, 1-based): chr4:186,597,720, G>A on the plus strand (C>T on the coding strand, the complement: FAT1 is on the minus strand). VCF-style: chr4-186597720-G-A. GRCh37 (hg19) VCF-style: chr4-187518874-G-A.
Identifiers: ClinVar variation 719869 (VCV000719869.33), dbSNP rs116628547, ClinGen allele CA3164858.